The following is an entry in ClinVar:

NM_004655.4(AXIN2):c.1487C>T (p.Ala496Val)

Gene: AXIN2 (axin 2; minus strand). Cytogenetic location: 17q24.1.
Variant type: single nucleotide variant.
Coding change: c.1487C>T on transcript NM_004655.4 (MANE Select); coding-DNA position 1487, C replaced by T.
Protein change: p.Ala496Val; replaces alanine 496 with valine.
Molecular consequence: missense variant.
Genome position (GRCh38, 1-based): chr17:65,537,549, G>A on the plus strand (C>T on the coding strand, the complement: AXIN2 is on the minus strand). VCF-style: chr17-65537549-G-A. GRCh37 (hg19) VCF-style: chr17-63533667-G-A.
Other names: c.1487C>T, p.Ala496Val (NM_001363813.1); short protein forms A496V.
Identifiers: ClinVar variation 4826943 (VCV004826943.1).

ClinVar aggregate classification (germline): Uncertain significance (1 of 4 stars; one submission).

Conditions:
Hereditary cancer-predisposing syndrome. Also called: Neoplastic Syndromes, Hereditary; Tumor predisposition; Hereditary Cancer Syndrome; Hereditary neoplastic syndrome. Identifiers: Orphanet 140162, MedGen C0027672, MeSH D009386, MONDO:0015356.

Submission:

Ambry Genetics
Classification: Uncertain significance for Hereditary cancer-predisposing syndrome. Last evaluated: 2026-03-02. Review status: criteria provided, single submitter. Criteria: Ambry Variant Classification Scheme 2023. Collection method: clinical testing. Allele origin: germline.
Comment: The p.A496V variant (also known as c.1487C>T), located in coding exon 5 of the AXIN2 gene, results from a C to T substitution at nucleotide position 1487. The alanine at codon 496 is replaced by valine, an amino acid with similar properties. This amino acid position is conserved. In addition, this alteration is predicted to be tolerated by in silico analysis. Based on the available evidence, the clinical significance of this variant remains unclear.